The following is an entry in ClinVar:

ClinVar aggregate classification (germline): Uncertain significance (1 of 4 stars; one submission).

gnomAD v4.1: 2 of 1,613,622 alleles (0.00012%); highest among the groups gnomAD compares: South Asian, 0.0011%; no homozygotes.

Submission:

Labcorp Genetics (formerly Invitae), Labcorp
Classification: Uncertain significance. Last evaluated: 2025-12-06. Review status: criteria provided, single submitter. Criteria: Invitae Variant Classification Sherloc (09022015). Collection method: clinical testing. Allele origin: germline.
Comment: This sequence change replaces glutamic acid, which is acidic and polar, with glycine, which is neutral and non-polar, at codon 72 of the OTULIN protein (p.Glu72Gly). This variant is not present in population databases (gnomAD no frequency). This variant has not been reported in the literature in individuals affected with OTULIN-related conditions. An algorithm developed to predict the effect of missense changes on protein structure and function (PolyPhen-2) suggests that this variant is likely to be tolerated. In summary, the available evidence is currently insufficient to determine the role of this variant in disease. Therefore, it has been classified as a Variant of Uncertain Significance.

NM_138348.6(OTULIN):c.215A>G (p.Glu72Gly)

Gene: OTULIN (OTU deubiquitinase with linear linkage specificity; plus strand). Cytogenetic location: 5p15.2.
Variant type: single nucleotide variant.
Coding change: c.215A>G on transcript NM_138348.6 (MANE Select); coding-DNA position 215, A replaced by G.
Protein change: p.Glu72Gly; replaces glutamic acid 72 with glycine.
Molecular consequence: missense variant.
Genome position (GRCh38, 1-based): chr5:14,673,704, A>G. VCF-style: chr5-14673704-A-G. GRCh37 (hg19) VCF-style: chr5-14673813-A-G.
Other names: short protein forms E72G.
Identifiers: ClinVar variation 4710128 (VCV004710128.1).
Genomic context (GRCh38, chr5:14,673,704, plus strand): 5'-AGGAGGACATGTACCGTGCTGCAGATGAAATAGAAAAGGAGAAAGAATTGCTTATACATG[A>G]AAGAGGGGCATCAGGTATGTTTGGAATTGTTTTATTTATAGAGTTCTTATTGTTTATAGC-3'
Protein context (NP_612357.4, residues 62-82): IEKEKELLIH[Glu72Gly]RGASEPRLSV